The following is an entry in ClinVar:

ClinVar aggregate classification (germline): Pathogenic (1 of 4 stars; one submission).

Submission:

Labcorp Genetics (formerly Invitae), Labcorp
Classification: Pathogenic. Last evaluated: 2023-05-16. Review status: criteria provided, single submitter. Criteria: Invitae Variant Classification Sherloc (09022015). Collection method: clinical testing. Allele origin: germline.
Comment: For these reasons, this variant has been classified as Pathogenic. This variant disrupts the C-terminus of the COL18A1 protein. Other variant(s) that disrupt this region (p.Ser1279Alafs*9, p.Ala1316Cysfs*14) have been observed in individuals with COL18A1-related conditions (PMID: 25392994, 25456301). This suggests that this may be a clinically significant region of the protein. A similar copy number variant has been observed in individual(s) with clinical features of Knobloch syndrome (Invitae). In at least one individual the data is consistent with being in trans (on the opposite chromosome) from a pathogenic variant. This variant is a gross deletion of the genomic region encompassing exon(s) 40-42 of the COL18A1 gene, which includes the termination codon. This deletion extends beyond the assayed region for this gene and therefore may encompass additional genes. While this deletion is not anticipated to lead to nonsense mediated decay, it is expected to alter mRNA translation or result in a truncated protein product.

Literature cited by the submitters: PubMed 25392994; PubMed 25456301.

NC_000021.8:g.(?_46929958)_(46936074_?)del

Genes: COL18A1 (collagen type XVIII alpha 1 chain; plus strand), SLC19A1 (solute carrier family 19 member 1; minus strand). Cytogenetic location: 21q22.3.
Variant type: Deletion.
Identifiers: ClinVar variation 1457785 (VCV001457785.6).